The following is an entry in ClinVar:

ClinVar aggregate classification (germline): Uncertain significance (0 of 4 stars; one submission).

Conditions:
Prostate cancer. Also called: Malignant tumor of prostate. Identifiers: Orphanet 1331, MedGen C0376358, MONDO:0008315, HP:0012125.

Submission:

Science for Life laboratory,  Karolinska Institutet
Classification: Uncertain significance for Malignant tumor of prostate. Review status: no assertion criteria provided. Collection method: not provided. Allele origin: somatic.
Comment: TumorID:SWE-1
ClinVar note: Converted during submission from Unknown to Uncertain significance.

NM_001005202.2(OR8K3):c.700C>A (p.Gln234Lys)

Gene: OR8K3 (olfactory receptor family 8 subfamily K member 3 (gene/pseudogene); plus strand). Cytogenetic location: 11q12.1.
Variant type: single nucleotide variant.
Coding change: c.700C>A on transcript NM_001005202.2 (MANE Select); coding-DNA position 700, C replaced by A.
Protein change: p.Gln234Lys; replaces glutamine 234 with lysine.
Molecular consequence: missense variant.
Genome position (GRCh38, 1-based): chr11:56,319,006, C>A. VCF-style: chr11-56319006-C-A. GRCh37 (hg19) VCF-style: chr11-56086482-C-A.
Other names: short protein forms Q234K.
Identifiers: ClinVar variation 161483 (VCV000161483.2), dbSNP rs193920753, ClinGen allele CA174118.
Genomic context (GRCh38, chr11:56,319,006, plus strand): 5'-GTTCTTTTATCTTACCTGCTCATCCTTGTAGCCATTCTCAGGATGAATTCTGCTGGCAGA[C>A]AAAAGGCTTTTTCTACCTGTGGAGCCCACCTGACAGTGGTCATAGTGTTCTATGGGACTT-3'
Protein context (NP_001005202.1, residues 224-244): AILRMNSAGR[Gln234Lys]KAFSTCGAHL